The following is an entry in ClinVar:

ClinVar aggregate classification (germline): Conflicting classifications of pathogenicity. Review status: criteria provided, conflicting classifications (1 of 4 stars). 5 submissions from 5 submitters: Uncertain significance (1); Likely benign (3). 1 of the submissions does not count toward it. Last evaluated 2025-07-22.

Conditions:
Familial adenomatous polyposis 2. Also called: MUTYH-related attenuated familial adenomatous polyposis; MUTYH-associated polyposis; MYH-associated polyposis; FAP type 2; MUTYH Polyposis; COLORECTAL ADENOMATOUS POLYPOSIS, AUTOSOMAL RECESSIVE. Identifiers: Orphanet 220460, Orphanet 247798, MedGen C3272841, MONDO:0012041, OMIM 608456.
Hereditary cancer-predisposing syndrome. Also called: Tumor predisposition; Hereditary Cancer Syndrome; Neoplastic Syndromes, Hereditary; Hereditary neoplastic syndrome. Identifiers: Orphanet 140162, MedGen C0027672, MeSH D009386, MONDO:0015356.
MUTYH-related disorder. Also called: MUTYH-related condition; MUTYH-related disorders.

Allele frequency attached by ClinVar (database versions not stated): gnomAD exomes 0.00001 and 0.00002; gnomAD 0.00002; TOPMed 0.00002; ExAC 0.00006.
gnomAD v4.1: 21 of 1,600,130 alleles (0.0013%); highest among the groups gnomAD compares: Middle Eastern, 0.053%; no homozygotes.

Submissions (5):

Labcorp Genetics (formerly Invitae), Labcorp
Classification: Likely benign for Familial adenomatous polyposis 2. Last evaluated: 2025-07-22. Review status: criteria provided, single submitter. Criteria: Invitae Variant Classification Sherloc (09022015). Collection method: clinical testing. Allele origin: germline.

Blueprint Genetics
Classification: Likely benign. Last evaluated: 2023-01-11. Review status: criteria provided, single submitter. Criteria: ACMG Guidelines, 2015. Collection method: clinical testing. Allele origin: germline.

Color Diagnostics, LLC DBA Color Health
Classification: Likely benign for Hereditary cancer-predisposing syndrome. Last evaluated: 2016-12-07. Review status: criteria provided, single submitter. Criteria: ACMG Guidelines, 2015. Collection method: clinical testing. Allele origin: germline.

Ambry Genetics
Classification: Uncertain significance for Hereditary cancer-predisposing syndrome. Last evaluated: 2015-06-09. Review status: criteria provided, single submitter. Criteria: Ambry Variant Classification Scheme 2023. Collection method: clinical testing. Allele origin: germline.
Comment: The c.998-19C>T intronic alteration consists of a C to T substitution 19 nucleotides before coding exon 12 in the MUTYH gene. Based on insufficient or conflicting evidence, the clinical significance of this alteration remains unclear.

PreventionGenetics, part of Exact Sciences
Classification: Likely benign for MUTYH-related condition. Last evaluated: 2019-12-19. Review status: no assertion criteria provided. Collection method: clinical testing. Allele origin: germline. Not counted in ClinVar's aggregate classification.
Comment: This variant is classified as likely benign based on ACMG/AMP sequence variant interpretation guidelines (Richards et al. 2015 PMID: 25741868, with internal and published modifications).

NM_001048174.2(MUTYH):c.914-19C>T

Gene: MUTYH (mutY DNA glycosylase; minus strand). Cytogenetic location: 1p34.1.
Variant type: single nucleotide variant.
Coding change: c.914-19C>T on transcript NM_001048174.2 (MANE Select); 19 bases into the intron before coding-DNA position 914, C replaced by T.
Molecular consequence: intron variant.
Genome position (GRCh38, 1-based): chr1:45,331,868, G>A on the plus strand (C>T on the coding strand, the complement: MUTYH is on the minus strand). VCF-style: chr1-45331868-G-A. GRCh37 (hg19) VCF-style: chr1-45797540-G-A.
Other names: c.569-19C>T (NM_001350651.2, NM_001350650.2); c.638-19C>T (NM_001293192.2, NM_001293196.2); c.914-19C>T (NM_001048171.2, NM_001048173.2, NM_001293195.2); c.959-19C>T (NM_001293190.2); c.989-19C>T (NM_012222.3); c.998-19C>T (NM_001128425.2); c.917-19C>T (NM_001048172.2); c.947-19C>T (NM_001293191.2).
Identifiers: ClinVar variation 492066 (VCV000492066.15), dbSNP rs758579958, ClinGen allele CA059972.